The following is an entry in ClinVar:

ClinVar aggregate classification (germline): Likely benign (1 of 4 stars; one submission).

Conditions:
AHI1-related disorder. Also called: AHI1-related condition.

gnomAD v4.1: 1 of 1,613,916 alleles (0.000062%); no homozygotes.

Submission:

PreventionGenetics, part of Exact Sciences
Classification: Likely benign for AHI1-related condition. Last evaluated: 2025-12-26. Review status: criteria provided, single submitter. Criteria: ACMG Guidelines, 2015. Collection method: clinical testing. Allele origin: germline.
Comment: This variant is classified as likely benign based on ACMG/AMP sequence variant interpretation guidelines (Richards et al. 2015 PMID: 25741868, with internal and published modifications).

NM_001134831.2(AHI1):c.270G>A (p.Leu90=)

Gene: AHI1 (Abelson helper integration site 1; minus strand). Cytogenetic location: 6q23.3.
Variant type: single nucleotide variant.
Coding change: c.270G>A on transcript NM_001134831.2 (MANE Select); coding-DNA position 270, G replaced by A.
Protein change: p.Leu90=; no amino-acid change (leucine 90 retained).
Molecular consequence: synonymous variant.
Genome position (GRCh38, 1-based): chr6:135,466,293, C>T on the plus strand (G>A on the coding strand, the complement: AHI1 is on the minus strand). VCF-style: chr6-135466293-C-T. GRCh37 (hg19) VCF-style: chr6-135787431-C-T.
Other names: c.270G>A, p.Leu90= (NM_001134830.2, NM_001134832.2, NM_001350503.2 and 2 more transcripts).
Identifiers: ClinVar variation 4989671 (VCV004989671.1).